The following is an entry in ClinVar:

ClinVar aggregate classification (germline): Uncertain significance (1 of 4 stars; one submission).

gnomAD v4.1: 2 of 1,611,222 alleles (0.00012%); highest among the groups gnomAD compares: Non-Finnish European, 0.00017%; no homozygotes.

Submission:

Labcorp Genetics (formerly Invitae), Labcorp
Classification: Uncertain significance. Last evaluated: 2025-06-03. Review status: criteria provided, single submitter. Criteria: Invitae Variant Classification Sherloc (09022015). Collection method: clinical testing. Allele origin: germline.
Comment: This sequence change replaces leucine, which is neutral and non-polar, with glutamine, which is neutral and polar, at codon 81 of the COL9A3 protein (p.Leu81Gln). This variant is not present in population databases (gnomAD no frequency). This variant has not been reported in the literature in individuals affected with COL9A3-related conditions. Invitae Evidence Modeling of protein sequence and biophysical properties (such as structural, functional, and spatial information, amino acid conservation, physicochemical variation, residue mobility, and thermodynamic stability) indicates that this missense variant is not expected to disrupt COL9A3 protein function with a negative predictive value of 95%. In summary, the available evidence is currently insufficient to determine the role of this variant in disease. Therefore, it has been classified as a Variant of Uncertain Significance.

NM_001853.4(COL9A3):c.242T>A (p.Leu81Gln)

Gene: COL9A3 (collagen type IX alpha 3 chain; plus strand). Cytogenetic location: 20q13.33.
Variant type: single nucleotide variant.
Coding change: c.242T>A on transcript NM_001853.4 (MANE Select); coding-DNA position 242, T replaced by A.
Protein change: p.Leu81Gln; replaces leucine 81 with glutamine.
Molecular consequence: missense variant.
Genome position (GRCh38, 1-based): chr20:62,819,280, T>A. VCF-style: chr20-62819280-T-A. GRCh37 (hg19) VCF-style: chr20-61450632-T-A.
Other names: short protein forms L81Q.
Identifiers: ClinVar variation 4771674 (VCV004771674.1).